The following is an entry in ClinVar:

ClinVar aggregate classification (germline): Uncertain significance (1 of 4 stars; one submission).

Conditions:
Intellectual developmental disorder, X-linked 90. Also called: DLG3-Related X-Linked Nonsyndromic Mental Retardation; Intellectual disability, X-linked 90. Identifiers: Orphanet 777, MedGen C3275443, MONDO:0010452, OMIM 300850.

Submission:

Dasa
Classification: Uncertain significance for Intellectual developmental disorder, X-linked 90. Last evaluated: 2025-09-12. Review status: criteria provided, single submitter. Criteria: DASA Assertion Criteria. Collection method: clinical testing. Allele origin: germline.
Comment: NM_021120.4(DLG3):c.1271G>T (p.Gly424Val) is a missense variant that results in the substitution of glycine with valine. This variant is absent from population databases. Computational prediction algorithms are consistent with a deleterious effect. The currently available literature and clinical evidence are not sufficient to establish a definitive association between this variant and the reported condition. Therefore, this variant is classified as a variant of uncertain significance.

NM_021120.4(DLG3):c.1271G>T (p.Gly424Val)

Genes: DLG3 (discs large MAGUK scaffold protein 3; plus strand), DLG3-AS1 (DLG3 antisense RNA 1; minus strand). Cytogenetic location: Xq13.1.
Variant type: single nucleotide variant.
Coding change: c.1271G>T on transcript NM_021120.4 (MANE Select); coding-DNA position 1271, G replaced by T.
Protein change: p.Gly424Val; replaces glycine 424 with valine.
Molecular consequence: missense variant.
Genome position (GRCh38, 1-based): chrX:70,453,762, G>T. VCF-style: chrX-70453762-G-T. GRCh37 (hg19) VCF-style: chrX-69673612-G-T.
Other names: c.260G>T, p.Gly87Val (NM_020730.3); short protein forms G424V, G87V.
Identifiers: ClinVar variation 4882238 (VCV004882238.2).